The following is an entry in ClinVar:

NM_000548.5(TSC2):c.4795del (p.Val1599fs)

Gene: TSC2 (TSC complex subunit 2; plus strand). Cytogenetic location: 16p13.3.
Variant type: Deletion.
Coding change: c.4795del on transcript NM_000548.5 (MANE Select); coding-DNA position 4795, one base deleted (G; older notation c.4795delG).
Protein change: p.Val1599fs; shifts the reading frame from valine 1599.
Molecular consequence: frameshift variant. On other transcripts: non-coding transcript variant (5).
Genome position (GRCh38, 1-based): chr16:2,086,325, G deleted. VCF-style (leftmost placement, unchanged base first): chr16-2086324-CG-C. GRCh37 (hg19) VCF-style: chr16-2136325-CG-C.
Other names: c.4594del, p.Val1532fs (NM_001077183.3); c.4726del, p.Val1576fs (NM_001114382.3); c.4486del, p.Val1496fs (NM_001318827.2); c.4450del, p.Val1484fs (NM_001318829.2); c.4063del, p.Val1355fs (NM_001318831.2); c.4627del, p.Val1543fs (NM_001318832.2); c.4597del, p.Val1533fs (NM_001363528.2); c.4663del, p.Val1555fs (NM_001370404.1); and 26 more; short protein forms V1332fs, V1333fs, V1376fs, V1399fs, V1496fs, V1527fs, V1563fs, V1575fs.
Identifiers: ClinVar variation 2861950 (VCV002861950.3), dbSNP rs2544378271, ClinGen allele CA2739265849.

ClinVar aggregate classification (germline): Pathogenic (1 of 4 stars; one submission).

Conditions:
Tuberous sclerosis 2 (TSC2). Identifiers: Orphanet 805, MedGen C1860707, MONDO:0013199, OMIM 613254.

Submission:

Labcorp Genetics (formerly Invitae), Labcorp
Classification: Pathogenic for Tuberous sclerosis 2. Last evaluated: 2023-05-04. Review status: criteria provided, single submitter. Criteria: Invitae Variant Classification Sherloc (09022015). Collection method: clinical testing. Allele origin: germline.
Comment: This sequence change creates a premature translational stop signal (p.Val1599Cysfs*26) in the TSC2 gene. It is expected to result in an absent or disrupted protein product. Loss-of-function variants in TSC2 are known to be pathogenic (PMID: 10205261, 17304050). This variant is not present in population databases (gnomAD no frequency). This variant has not been reported in the literature in individuals affected with TSC2-related conditions. For these reasons, this variant has been classified as Pathogenic.

Literature cited by the submitters: PubMed 10205261; PubMed 17304050.